The following is an entry in ClinVar:

NM_001128425.2(MUTYH):c.13G>T (p.Val5Phe)

Genes: MUTYH (mutY DNA glycosylase; minus strand), TOE1 (target of EGR1, exonuclease; plus strand). Cytogenetic location: 1p34.1.
Variant type: single nucleotide variant.
Coding change: c.13G>T on transcript NM_001128425.2 (MANE Plus Clinical); coding-DNA position 13, G replaced by T.
Protein change: p.Val5Phe; replaces valine 5 with phenylalanine.
Molecular consequence: missense variant. On other transcripts: 5 prime UTR variant (8), non-coding transcript variant (3).
Genome position (GRCh38, 1-based): chr1:45,340,242, C>A on the plus strand (G>T on the coding strand, the complement: MUTYH is on the minus strand). VCF-style: chr1-45340242-C-A. GRCh37 (hg19) VCF-style: chr1-45805914-C-A.
Other names: c.-11C>A (NM_025077.4); c.-30G>T (NM_001048171.2); c.13G>T, p.Val5Phe (NM_001293190.2, NM_001407069.1, NM_001407073.1 and 1 more transcripts); c.-242G>T (NM_001293192.2); c.-301G>T (NM_001350650.2); c.-237G>T (NM_001350651.2); c.-46G>T (NM_001407070.1, NM_001407071.1); c.-26G>T (NM_001407072.1); short protein forms V5F.
Identifiers: ClinVar variation 919234 (VCV000919234.5), dbSNP rs786201933, ClinGen allele CA340137896.

ClinVar aggregate classification (germline): Uncertain significance (1 of 4 stars; one submission).

Conditions:
Hereditary cancer-predisposing syndrome. Also called: Tumor predisposition; Neoplastic Syndromes, Hereditary; Hereditary neoplastic syndrome; Hereditary Cancer Syndrome. Identifiers: Orphanet 140162, MedGen C0027672, MeSH D009386, MONDO:0015356.

Submission:

Color Diagnostics, LLC DBA Color Health
Classification: Uncertain significance for Hereditary cancer-predisposing syndrome. Last evaluated: 2024-03-06. Review status: criteria provided, single submitter. Criteria: ACMG Guidelines, 2015. Collection method: clinical testing. Allele origin: germline.
Comment: This missense variant replaces valine with phenylalanine at codon 5 of the MUTYH protein. Computational prediction suggests that this variant may not impact protein structure and function (internally defined REVEL score threshold <= 0.5, PMID: 27666373). Splice site prediction tools suggest that this variant may not impact RNA splicing. To our knowledge, functional studies have not been performed for this variant. This variant has not been reported in individuals affected with hereditary cancer in the literature. This variant has not been identified in the general population by the Genome Aggregation Database (gnomAD). The available evidence is insufficient to determine the role of this variant in disease conclusively. Therefore, this variant is classified as a Variant of Uncertain Significance.